The following is an entry in ClinVar:

ClinVar aggregate classification (germline): Uncertain significance (1 of 4 stars; one submission).

Allele frequency attached by ClinVar (database versions not stated): gnomAD exomes below 0.00001; TOPMed 0.00001.
gnomAD v4.1: 3 of 1,614,056 alleles (0.00019%); highest among the groups gnomAD compares: South Asian, 0.0033%; no homozygotes.

Submission:

Ambry Genetics
Classification: Uncertain significance. Last evaluated: 2021-08-09. Review status: criteria provided, single submitter. Criteria: Ambry Variant Classification Scheme 2023. Collection method: clinical testing. Allele origin: germline.
Comment: The p.E565Q variant (also known as c.1693G>C), located in coding exon 11 of the POLQ gene, results from a G to C substitution at nucleotide position 1693. The glutamic acid at codon 565 is replaced by glutamine, an amino acid with highly similar properties. This amino acid position is conserved. In addition, this alteration is predicted to be tolerated by in silico analysis. Since supporting evidence is limited at this time, the clinical significance of this alteration remains unclear.

NM_199420.4(POLQ):c.1693G>C (p.Glu565Gln)

Gene: POLQ (DNA polymerase theta; minus strand). Cytogenetic location: 3q13.33.
Variant type: single nucleotide variant.
Coding change: c.1693G>C on transcript NM_199420.4 (MANE Select); coding-DNA position 1693, G replaced by C.
Protein change: p.Glu565Gln; replaces glutamic acid 565 with glutamine.
Molecular consequence: missense variant.
Genome position (GRCh38, 1-based): chr3:121,510,162, C>G on the plus strand (G>C on the coding strand, the complement: POLQ is on the minus strand). VCF-style: chr3-121510162-C-G. GRCh37 (hg19) VCF-style: chr3-121229009-C-G.
Other names: short protein forms E565Q.
Identifiers: ClinVar variation 1778185 (VCV001778185.2), dbSNP rs1319977618, ClinGen allele CA354114996.
Genomic context (GRCh38, chr3:121,510,162, plus strand): 5'-AGGCCTCAATCGCTCCAAGCTGAACAGACTCTTGATTTCTCTGAATTCCTTGCTTCCCTT[C>G]TTTCATACTTGCAGCCAAAAATGTGCAGGCAGCATAAGTATGCATATCTTGTGATGTACT-3'
Protein context (NP_955452.3, residues 555-575): ACTFLAASMK[Glu565Gln]GKQGIQRNQE